The following is an entry in ClinVar:

NM_000020.3(ACVRL1):c.916_917delinsAA (p.Ala306Lys)

Gene: ACVRL1 (activin A receptor like type 1; plus strand). Cytogenetic location: 12q13.13.
Variant type: Indel.
Coding change: c.916_917delinsAA on transcript NM_000020.3 (MANE Select); coding-DNA positions 916 to 917, GC replaced by AA.
Protein change: p.Ala306Lys; replaces alanine 306 with lysine.
Molecular consequence: missense variant.
Genome position (GRCh38, 1-based): chr12:51,915,368-51,915,369, GC replaced by AA. VCF-style: chr12-51915368-GC-AA. GRCh37 (hg19) VCF-style: chr12-52309152-GC-AA.
Other names: c.916_917delGCinsAA (NM_000020.2); c.916_917delinsAA, p.Ala306Lys (NM_001077401.2); short protein forms A306K.
Identifiers: ClinVar variation 411310 (VCV000411310.9), dbSNP rs1060503244, ClinGen allele CA16614160.

ClinVar aggregate classification (germline): Uncertain significance. Review status: criteria provided, multiple submitters, no conflicts (2 of 4 stars). 2 submissions from 2 submitters: Uncertain significance (2). Last evaluated 2024-11-12.

Conditions:
Telangiectasia, hereditary hemorrhagic, type 2 (HHT2). Also called: ACVRL1-Related Hereditary Hemorrhagic Telangiectasia; Telangiectasia, hereditary hemorrhagic, type II. Identifiers: Orphanet 774, MedGen C1838163, MONDO:0010880, OMIM 600376. Disease mechanism: loss of function.

Submissions (2):

Labcorp Genetics (formerly Invitae), Labcorp
Classification: Uncertain significance for Telangiectasia, hereditary hemorrhagic, type 2. Last evaluated: 2024-11-12. Review status: criteria provided, single submitter. Criteria: Invitae Variant Classification Sherloc (09022015). Collection method: clinical testing. Allele origin: germline.
Comment: This sequence change replaces alanine, which is neutral and non-polar, with lysine, which is basic and polar, at codon 306 of the ACVRL1 protein (p.Ala306Lys). Information on the frequency of this variant in the gnomAD database is not available, as this variant may be reported differently in the database. This missense change has been observed in individuals with clinical features of hereditary hemorrhagic telangiectasia (internal data). ClinVar contains an entry for this variant (Variation ID: 411310). An algorithm developed to predict the effect of missense changes on protein structure and function (PolyPhen-2) suggests that this variant is likely to be disruptive. This variant disrupts the p.Ala306 amino acid residue in ACVRL1. Other variant(s) that disrupt this residue have been determined to be pathogenic (PMID: 15024723, 26176610). This suggests that this residue is clinically significant, and that variants that disrupt this residue are likely to be disease-causing. In summary, the available evidence is currently insufficient to determine the role of this variant in disease. Therefore, it has been classified as a Variant of Uncertain Significance.

GeneDx
Classification: Uncertain significance. Last evaluated: 2017-07-06. Review status: criteria provided, single submitter. Criteria: GeneDx Variant Classification (06012015). Collection method: clinical testing. Allele origin: germline. Affected: yes.
Comment: A variant of uncertain significance has been identified in the ACVRL1 gene. The c.916_917delGCinsAA variant has not been published as pathogenic or been reported as benign to our knowledge. This variant is not observed in large population cohorts (Lek et al., 2016; 1000 Genomes Consortium et al., 2015; Exome Variant Server). The c.916_917delGCinsAA variant results in the deletion of two nucleotides and insertion of two nucleotides which does not cause a shift in reading frame and causes the amino acid substitution A306K. The A306K substitution is a non-conservative amino acid substitution, which is likely to impact secondary protein structure as these residues differ in polarity, charge, size and/or other properties, and at a position where amino acids with similar properties to alanine are tolerated across species. In silico analysis predicts this variant is probably damaging to the protein structure/function. Two other missense variants in nearby residues (A306P, A306E) have been reported in the Human Gene Mutation Database in association with HHT (Stenson et al., 2014); however, the pathogenicity of these variants has not been definitively determined.

Literature cited by the submitters: PubMed 15024723 (cited by Labcorp Genetics (formerly Invitae), Labcorp); PubMed 26176610 (cited by Labcorp Genetics (formerly Invitae), Labcorp).